The following is an entry in ClinVar:

ClinVar aggregate classification (germline): Uncertain significance (1 of 4 stars; one submission).

gnomAD v4.1: 11 of 1,494,348 alleles (0.00074%); highest among the groups gnomAD compares: South Asian, 0.0029%; no homozygotes.

Submission:

Ambry Genetics
Classification: Uncertain significance. Last evaluated: 2025-01-21. Review status: criteria provided, single submitter. Criteria: Ambry Variant Classification Scheme 2023. Collection method: clinical testing. Allele origin: germline.
Comment: The p.G1482E variant (also known as c.4445G>A), located in coding exon 14 of the CDK12 gene, results from a G to A substitution at nucleotide position 4445. The glycine at codon 1482 is replaced by glutamic acid, an amino acid with similar properties. This amino acid position is conserved. In addition, the in silico prediction for this alteration is inconclusive. Based on the available evidence, the clinical significance of this variant remains unclear.

NM_016507.4(CDK12):c.4445G>A (p.Gly1482Glu)

Gene: CDK12 (cyclin dependent kinase 12; plus strand). Cytogenetic location: 17q12.
Variant type: single nucleotide variant.
Coding change: c.4445G>A on transcript NM_016507.4 (MANE Select); coding-DNA position 4445, G replaced by A.
Protein change: p.Gly1482Glu; replaces glycine 1482 with glutamic acid.
Molecular consequence: missense variant.
Genome position (GRCh38, 1-based): chr17:39,531,288, G>A. VCF-style: chr17-39531288-G-A. GRCh37 (hg19) VCF-style: chr17-37687541-G-A.
Other names: c.4418G>A, p.Gly1473Glu (NM_015083.4); short protein forms G1473E, G1482E.
Identifiers: ClinVar variation 3830548 (VCV003830548.1).